The following is an entry in ClinVar:

ClinVar aggregate classification (germline): Pathogenic. Review status: reviewed by expert panel (3 of 4 stars). 10 submissions from 10 submitters: Pathogenic (1). 9 of the submissions do not count toward it. Last evaluated 2018-08-05.

Conditions:
Phenylketonuria (PKU). Also called: Phenylketonuria (PKU); Phenylketonurias; OLIGOPHRENIA PHENYLPYRUVICA; FOLLING DISEASE. Identifiers: Orphanet 716, MedGen C0031485, MONDO:0009861, OMIM 261600. Disease mechanism: loss of function.

Allele frequency attached by ClinVar (database versions not stated): TOPMed 0.00002; gnomAD exomes 0.00001.
gnomAD v4.1: 7 of 1,613,180 alleles (0.00043%); highest among the groups gnomAD compares: East Asian, 0.013%; no homozygotes.

Submissions (10):

ClinGen PAH Variant Curation Expert Panel
Classification: Pathogenic for Phenylketonuria. Last evaluated: 2018-08-05. Review status: reviewed by expert panel. Criteria: ClinGen PAH ACMG Specifications v1. Collection method: curation. Allele origin: germline. Inheritance: Autosomal recessive inheritance.
Comment: PAH-specific ACMG/AMP criteria applied: PM2: Not present in ExAC or 1000 genomes (PMID:9860305); PVS1: Canonical -1 splice site; PP4_Moderate: Reported in a mild PKU patient. BH4 deficiency assessed. (PMID:14681498). In summary this variant meets criteria to be classified as pathogenic for phenylketonuria in an autosomal recessive manner based on the ACMG/AMP criteria applied as specified by the PAH Expert Panel: (PM2, PVS1, PP4_Moderate).

Natera, Inc.
Classification: Pathogenic for Phenylketonuria. Last evaluated: 2025-03-06. Review status: criteria provided, single submitter. Criteria: Natera Variant Classification Schema (03/2026). Collection method: clinical testing. Allele origin: germline. Not counted in ClinVar's aggregate classification.
Comment: The c.442-1G>A variant in PAH is a canonical splice acceptor site variant predicted to affect pre-mRNA splicing, which may result in an abnormal transcript and altered protein product. This variant is expected to result in nonsense mediated decay, truncation, or a dysfunctional protein product. This variant is rare in the general population with a frequency below the threshold expected for the associated phenotype(s). This variant has been observed in one or more individuals affected with the associated recessive disease, as either homozygous or compound heterozygous with a second variant (PMID: 36845377). Another variant at this same site results in an alteration predicted to cause a similar molecular effect has been observed in individual(s) with the associated phenotype. Given the available evidence, this variant is classified as Pathogenic.

3billion
Classification: Pathogenic for Phenylketonuria. Last evaluated: 2025-02-07. Review status: criteria provided, single submitter. Criteria: ACMG Guidelines, 2015. Collection method: clinical testing. Allele origin: germline. Affected: yes. Not counted in ClinVar's aggregate classification.
Comment: The variant is observed at an extremely low frequency in the gnomAD v4.1.0 dataset (total allele frequency: <0.001%). Predicted Consequence/Location: Canonical splice site: predicted to alter splicing and result in a loss or disruption of normal protein function. Multiple pathogenic loss-of-function variants are reported downstream of the variant. In silico tools predict the variant to alter splicing and produce an abnormal transcript [SpliceAI: 0.99 (spliceogenicity >=0.2, non-spliceogenicity <0.1)]. The variant has been reported multiple times as an established pathogenic variant (ClinVar ID: VCV000000594 /PMID: 1998345). Therefore, this variant is classified as Pathogenic according to the recommendation of ACMG/AMP guideline.

Labcorp Genetics (formerly Invitae), Labcorp
Classification: Pathogenic for Phenylketonuria. Last evaluated: 2023-10-16. Review status: criteria provided, single submitter. Criteria: Invitae Variant Classification Sherloc (09022015). Collection method: clinical testing. Allele origin: germline. Not counted in ClinVar's aggregate classification.
Comment: This sequence change affects an acceptor splice site in intron 4 of the PAH gene. It is expected to disrupt RNA splicing. Variants that disrupt the donor or acceptor splice site typically lead to a loss of protein function (PMID: 16199547), and loss-of-function variants in PAH are known to be pathogenic (PMID: 1301187, 9634518). This variant is not present in population databases (gnomAD no frequency). Disruption of this splice site has been observed in individual(s) with hyperphenylalaninemia (PMID: 1998345, 24401910, 29499199). It is commonly reported in individuals of Chinese ancestry (PMID: 1998345, 24401910, 29499199). ClinVar contains an entry for this variant (Variation ID: 594). Algorithms developed to predict the effect of sequence changes on RNA splicing suggest that this variant may disrupt the consensus splice site. For these reasons, this variant has been classified as Pathogenic.

Women's Health and Genetics/Laboratory Corporation of America, LabCorp
Classification: Pathogenic for Phenylketonuria. Last evaluated: 2019-09-27. Review status: criteria provided, single submitter. Criteria: LabCorp Variant Classification Summary - May 2015. Collection method: clinical testing. Allele origin: germline. Not counted in ClinVar's aggregate classification.
Comment: Variant summary: PAH c.442-1G>A is located in a canonical splice-site and is predicted to affect mRNA splicing resulting in a significantly altered protein due to either exon skipping, shortening, or inclusion of intronic material. Several computational tools predict a significant impact on normal splicing: Five predict the variant abolishes a 3 acceptor site and creates a new cryptic exonic one. However, these predictions have yet to be confirmed by functional studies. The variant was absent in 251264 control chromosomes (gnomAD). c.442-1G>A has been reported in the literature in multiple individuals, including compound heterozygotes and homozygotes, affected with Phenylalanine Hydroxylase Deficiency (Phenylketonuria) (e.g. Lee_2004, Liang_2014). These data indicate that the variant is very likely to be associated with disease. Experimental evidence evaluating an impact on protein function determined the variant to confer null PAH activity in vitro (Liang_2014). Two ClinVar submitters including an expert panel (ClinGen PAH Variant Curation Expert Panel) (evaluation after 2014) cite the variant as pathogenic. Based on the evidence outlined above, the variant was classified as pathogenic.

GeneDx
Classification: Pathogenic. Last evaluated: 2017-03-28. Review status: criteria provided, single submitter. Criteria: GeneDx Variant Classification (06012015). Collection method: clinical testing. Allele origin: germline. Affected: yes. Not counted in ClinVar's aggregate classification.
Comment: The c.442-1 G>A pathogenic variant in the PAH gene has previously beenreported in association with both mild and classic PKU (Liang et al., 2014; Wang et al., 1991). Thec.442-1 G>A variant destroys the canonical splice acceptor site in intron 4, and is expected to causeabnormal gene splicing. The c.442-1 G>A variant is not observed in large population cohorts (Lek etal., 2016; 1000 Genomes Consortium et al., 2015; Exome Variant Server). It is unclear whether or notc.442-1 G>A is responsive to BH4 therapy (Zurfluh et al., 2008). In summary, we interpret c.442-1G>A as pathogenic.

Eurofins Ntd Llc (ga)
Classification: Pathogenic. Last evaluated: 2014-08-08. Review status: criteria provided, single submitter. Criteria: EGL Classification Definitions 2015. Collection method: clinical testing. Allele origin: germline. Observed: 1 variant allele, 1 heterozygote. Not counted in ClinVar's aggregate classification.

Juno Genomics, Hangzhou Juno Genomics, Inc
Classification: Pathogenic for Phenylketonuria. Review status: criteria provided, single submitter. Criteria: ACMG Guidelines, 2015. Collection method: clinical testing. Allele origin: germline. Affected: yes. Not counted in ClinVar's aggregate classification.
Comment: Null variant in a gene where loss of function (LOF) is a known mechanism of disease.;For recessive disorders, detected in trans with a pathogenic variant.;Patient's phenotype or family history is highly specific for a disease with a single genetic etiology.

OMIM
Classification: Pathogenic for PHENYLKETONURIA. Last evaluated: 1991-06-01. Review status: no assertion criteria provided. Collection method: literature only. Allele origin: germline. Not counted in ClinVar's aggregate classification.

DeBelle Laboratory for Biochemical Genetics, MUHC/MCH RESEARCH INSTITUTE
No classification provided. Review status: no classification provided. Collection method: not provided. Allele origin: not provided. Not counted in ClinVar's aggregate classification.

Literature cited by the submitters: PubMed 14681498 (cited by ClinGen PAH Variant Curation Expert Panel); PubMed 9860305 (cited by ClinGen PAH Variant Curation Expert Panel); PubMed 36845377 (cited by Natera, Inc.); PubMed 1998345 (cited by 3 submitters); PubMed 16199547 (cited by Labcorp Genetics (formerly Invitae), Labcorp); PubMed 1301187 (cited by Labcorp Genetics (formerly Invitae), Labcorp); PubMed 9634518 (cited by Labcorp Genetics (formerly Invitae), Labcorp); PubMed 24401910 (cited by 3 submitters); PubMed 29499199 (cited by Labcorp Genetics (formerly Invitae), Labcorp); PubMed 15503242 (cited by Women's Health and Genetics/Laboratory Corporation of America, LabCorp); Wang, T., Woo, S. L. C. Personal Communication. 1990. Houston, Tex. (cited by OMIM); PubMed 2071149 (cited by OMIM); PubMed 3093157 (cited by OMIM).

NM_000277.3(PAH):c.442-1G>A

Gene: PAH (phenylalanine hydroxylase; minus strand). Cytogenetic location: 12q23.2.
Variant type: single nucleotide variant.
Coding change: c.442-1G>A on transcript NM_000277.3 (MANE Select); the canonical splice acceptor site of the intron before coding-DNA position 442, G replaced by A.
Molecular consequence: splice acceptor variant.
Genome position (GRCh38, 1-based): chr12:102,866,664, C>T on the plus strand (G>A on the coding strand, the complement: PAH is on the minus strand). VCF-style: chr12-102866664-C-T. GRCh37 (hg19) VCF-style: chr12-103260442-C-T.
Other names: NM_000277.1(PAH):c.442-1G>A; IVS4AS, G-A, -1; c.442-1G>A (NM_001354304.2, NM_000277.2).
Identifiers: ClinVar variation 594 (VCV000000594.102), dbSNP rs62514907, ClinGen allele CA229550.